The following is an entry in ClinVar:

NM_005591.4(MRE11):c.394C>T (p.Pro132Ser)

Gene: MRE11 (MRE11 double strand break repair nuclease; minus strand). Cytogenetic location: 11q21.
Variant type: single nucleotide variant.
Coding change: c.394C>T on transcript NM_005591.4 (MANE Select); coding-DNA position 394, C replaced by T.
Protein change: p.Pro132Ser; replaces proline 132 with serine.
Molecular consequence: missense variant.
Genome position (GRCh38, 1-based): chr11:94,479,682, G>A on the plus strand (C>T on the coding strand, the complement: MRE11 is on the minus strand). VCF-style: chr11-94479682-G-A. GRCh37 (hg19) VCF-style: chr11-94212848-G-A.
Other names: c.394C>T, p.Pro132Ser (NM_001330347.2, NM_005590.4); short protein forms P132S.
Identifiers: ClinVar variation 481742 (VCV000481742.13), dbSNP rs777373591, ClinGen allele CA6235406.

ClinVar aggregate classification (germline): Uncertain significance. Review status: criteria provided, multiple submitters, no conflicts (2 of 4 stars). 4 submissions from 4 submitters: Uncertain significance (4). Last evaluated 2025-05-05.

Conditions:
Ataxia-telangiectasia-like disorder (ATLD). Identifiers: MedGen C1858391, MONDO:0011457.
Ataxia-telangiectasia-like disorder 1 (ATLD1). Identifiers: Orphanet 251347, MedGen C4012790, MONDO:0024557, OMIM 604391.
Hereditary cancer-predisposing syndrome. Also called: Neoplastic Syndromes, Hereditary; Tumor predisposition; Hereditary Cancer Syndrome; Hereditary neoplastic syndrome. Identifiers: Orphanet 140162, MedGen C0027672, MeSH D009386, MONDO:0015356.

Allele frequency attached by ClinVar (database versions not stated): ExAC 0.00001; gnomAD 0.00001; gnomAD exomes 0.00001 and 0.00002; TOPMed 0.00001.
gnomAD v4.1: 12 of 1,611,482 alleles (0.00074%); highest among the groups gnomAD compares: East Asian, 0.0089%; no homozygotes.

Submissions (4):

Labcorp Genetics (formerly Invitae), Labcorp
Classification: Uncertain significance for Ataxia-telangiectasia-like disorder. Last evaluated: 2025-05-05. Review status: criteria provided, single submitter. Criteria: Invitae Variant Classification Sherloc (09022015). Collection method: clinical testing. Allele origin: germline.
Comment: This sequence change replaces proline, which is neutral and non-polar, with serine, which is neutral and polar, at codon 132 of the MRE11 protein (p.Pro132Ser). This variant is present in population databases (rs777373591, gnomAD 0.01%). This variant has not been reported in the literature in individuals affected with MRE11-related conditions. ClinVar contains an entry for this variant (Variation ID: 481742). An algorithm developed to predict the effect of missense changes on protein structure and function (PolyPhen-2) suggests that this variant is likely to be disruptive. In summary, the available evidence is currently insufficient to determine the role of this variant in disease. Therefore, it has been classified as a Variant of Uncertain Significance.

Ambry Genetics
Classification: Uncertain significance for Hereditary cancer-predisposing syndrome. Last evaluated: 2024-05-26. Review status: criteria provided, single submitter. Criteria: Ambry Variant Classification Scheme 2023. Collection method: clinical testing. Allele origin: germline.
Comment: The p.P132S variant (also known as c.394C>T), located in coding exon 4 of the MRE11A gene, results from a C to T substitution at nucleotide position 394. The proline at codon 132 is replaced by serine, an amino acid with similar properties. This amino acid position is highly conserved in available vertebrate species. In addition, this alteration is predicted to be deleterious by in silico analysis. Since supporting evidence is limited at this time, the clinical significance of this alteration remains unclear.

Baylor Genetics
Classification: Uncertain significance for Ataxia-telangiectasia-like disorder 1. Last evaluated: 2023-05-04. Review status: criteria provided, single submitter. Criteria: ACMG Guidelines, 2015. Collection method: clinical testing. Allele origin: unknown.

Sema4
Classification: Uncertain significance for Hereditary cancer-predisposing syndrome. Last evaluated: 2021-11-01. Review status: criteria provided, single submitter. Criteria: Sema4 Curation Guidelines. Collection method: curation. Allele origin: germline.
Comment: The MRE11 c.394C>T (p.P132S) variant has not been reported in the literature to our knowledge. It was observed in 5/250224 chromosomes in the large and broad cohorts of the Genome Aggregation Database (PMID: 32461654). The variant has been reported in ClinVar (Variation ID 481742). In silico tools suggest the impact of the variant on protein function is deleterious, though these predictions have not been confirmed by functional studies. The evidence is insufficient to meet ACMG/AMP criteria for classifying the variant as benign or pathogenic. Thus, the clinical significance of this variant is currently uncertain.